The following is an entry in ClinVar:

NM_144966.5(FREM1):c.*2254A>G

Gene: FREM1 (FRAS1 related extracellular matrix 1; minus strand). Cytogenetic location: 9p22.3.
Variant type: single nucleotide variant.
Coding change: c.*2254A>G on transcript NM_144966.5; 2254 bases downstream of the stop codon, A replaced by G.
Genome position (GRCh38, 1-based): chr9:14,735,142, T>C on the plus strand (A>G on the coding strand, the complement: FREM1 is on the minus strand). VCF-style: chr9-14735142-T-C. GRCh37 (hg19) VCF-style: chr9-14735140-T-C.
Identifiers: ClinVar variation 366061 (VCV000366061.8), dbSNP rs7033371, ClinGen allele CA10629692.

ClinVar aggregate classification (germline): Benign. Review status: criteria provided, multiple submitters, no conflicts (2 of 4 stars). 2 submissions from 2 submitters: Benign (2). Last evaluated 2018-01-13.

Conditions:
Oculotrichoanal syndrome (MOTA). Also called: MARLES SYNDROME; Manitoba Oculotrichoanal (MOTA) Syndrome. Identifiers: Orphanet 2717, MedGen C1855425, MONDO:0009560, OMIM 248450.

Allele frequency attached by ClinVar (database versions not stated): 1000 Genomes Project 0.13059; gnomAD 0.18566 and 0.19408; gnomAD exomes 0.14583; TOPMed 0.19099; 1000 Genomes Project 30x 0.13648.

Submissions (2):

Illumina Laboratory Services, Illumina
Classification: Benign for Oculotrichoanal syndrome. Last evaluated: 2018-01-13. Review status: criteria provided, single submitter. Criteria: ICSL Variant Classification Criteria 13 December 2019. Collection method: clinical testing. Allele origin: germline.
Comment: This variant was observed in the ICSL laboratory as part of a predisposition screen in an ostensibly healthy population. It had not been previously curated by ICSL or reported in the Human Gene Mutation Database (HGMD: prior to June 1st, 2018), and was therefore a candidate for classification through an automated scoring system. Utilizing variant allele frequency, disease prevalence and penetrance estimates, and inheritance mode, an automated score was calculated to assess if this variant is too frequent to cause the disease. Based on the score and internal cut-off values, a variant classified as benign is not then subjected to further curation. The score for this variant resulted in a classification of benign for this disease.

Breakthrough Genomics
Classification: Benign. Review status: criteria provided, single submitter. Criteria: ACMG Guidelines, 2015. Collection method: not provided. Allele origin: germline. Inheritance: Autosomal recessive inheritance. Affected: yes.